The following is an entry in ClinVar:

NM_152443.3(RDH12):c.624G>A (p.Val208=)

Genes: GPHN (gephyrin; plus strand), RDH12 (retinol dehydrogenase 12; plus strand). Cytogenetic location: 14q24.1.
Variant type: single nucleotide variant.
Coding change: c.624G>A on transcript NM_152443.3 (MANE Select); coding-DNA position 624, G replaced by A.
Protein change: p.Val208=; no amino-acid change (valine 208 retained).
Molecular consequence: synonymous variant.
Genome position (GRCh38, 1-based): chr14:67,727,156, G>A. VCF-style: chr14-67727156-G-A. GRCh37 (hg19) VCF-style: chr14-68193873-G-A.
Identifiers: ClinVar variation 1631717 (VCV001631717.35), dbSNP rs2140145621, ClinGen allele CA486768908.
Genomic context (GRCh38, chr14:67,727,156, plus strand): 5'-CCAGAGCGAGAAGCGCTACAGCAGGGGTTTTGCCTATTGCCACAGCAAGCTGGCCAATGT[G>A]CTTTTTACTCGTGAGCTGGCCAAGAGGCTCCAAGGTAAGTCTGGAGAAAGAGGAATAGCA-3'
Protein context (NP_689656.2, residues 198-218): FAYCHSKLAN[Val208=]LFTRELAKRL

ClinVar aggregate classification (germline): Likely benign. Review status: criteria provided, multiple submitters, no conflicts (2 of 4 stars). 3 submissions from 3 submitters: Likely benign (3). Last evaluated 2023-07-16.

Conditions:
Leber congenital amaurosis 13 (LCA13). Identifiers: MedGen C2675186, MONDO:0012990, OMIM 612712.

Allele frequency attached by ClinVar (database versions not stated): gnomAD exomes below 0.00001.
gnomAD v4.1: 3 of 1,613,960 alleles (0.00019%); highest among the groups gnomAD compares: African/African-American, 0.0013%; no homozygotes.

Submissions (3):

Labcorp Genetics (formerly Invitae), Labcorp
Classification: Likely benign for Leber congenital amaurosis 13. Last evaluated: 2023-07-16. Review status: criteria provided, single submitter. Criteria: Invitae Variant Classification Sherloc (09022015). Collection method: clinical testing. Allele origin: germline.

CeGaT Center for Human Genetics Tuebingen
Classification: Likely benign. Last evaluated: 2023-05-01. Review status: criteria provided, single submitter. Criteria: CeGaT Center For Human Genetics Tuebingen Variant Classification Criteria Version 2. Collection method: clinical testing. Allele origin: germline. Affected: yes. Observed: 1 variant allele.
Comment: RDH12: PM2:Supporting, BP4, BP7

Blueprint Genetics
Classification: Likely benign. Last evaluated: 2022-05-17. Review status: criteria provided, single submitter. Criteria: ACMG Guidelines, 2015. Collection method: clinical testing. Allele origin: germline.